The following is an entry in ClinVar:

NM_000531.6(OTC):c.618G>T (p.Met206Ile)

Gene: OTC (ornithine transcarbamylase; plus strand). Cytogenetic location: Xp11.4.
Variant type: single nucleotide variant.
Coding change: c.618G>T on transcript NM_000531.6 (MANE Select); coding-DNA position 618, G replaced by T.
Protein change: p.Met206Ile; replaces methionine 206 with isoleucine.
Molecular consequence: missense variant.
Genome position (GRCh38, 1-based): chrX:38,403,695, G>T. VCF-style: chrX-38403695-G-T. GRCh37 (hg19) VCF-style: chrX-38262948-G-T.
Other names: c.618G>T, p.Met206Ile (NM_001407092.1); short protein forms M206I.
Identifiers: ClinVar variation 2627014 (VCV002627014.8), dbSNP rs72558413, ClinGen allele CA412725685.

ClinVar aggregate classification (germline): Conflicting classifications of pathogenicity. Review status: criteria provided, conflicting classifications (1 of 4 stars). 5 submissions from 5 submitters: Likely pathogenic (3); Uncertain significance (2). Last evaluated 2026-02-09.

Conditions:
Ornithine carbamoyltransferase deficiency (OTCD). Also called: ORNITHINE TRANSCARBAMYLASE DEFICIENCY; ORNITHINE TRANSCARBAMYLASE DEFICIENCY, HYPERAMMONEMIA DUE TO; OTC DEFICIENCY; Ornithine Carbamoyltransferase Deficiency Disease. Identifiers: Orphanet 664, MedGen C0268542, MONDO:0010703, OMIM 311250.

Submissions (5):

Victorian Clinical Genetics Services, Murdoch Childrens Research Institute
Classification: Likely pathogenic for Ornithine carbamoyltransferase deficiency. Last evaluated: 2026-02-09. Review status: criteria provided, single submitter. Criteria: ACMG Guidelines, 2015. Collection method: clinical testing. Allele origin: germline. Affected: yes.
Comment: This variant is classified as Likely pathogenic. Evidence in support of pathogenic classification: An alternate nucleotide change resulting in the same amino acid change is present in gnomAD <0.01 for a recessive condition (v4: 4 heterozygote(s), 0 homozygote(s), 1 hemizygote(s)); This variant has strong previous evidence of pathogenicity in unrelated individuals. This variant has been classified as likely pathogenic and VUS by clinical laboratories in ClinVar. An alternate nucleotide substitution (c.618G>A) resulting in the same amino acid change has been classified as pathogenic and likely pathogenic in ClinVar. This variant has moderate functional evidence supporting abnormal protein function. Additional information: Variant is predicted to result in a missense amino acid change from Met to Ile; This variant is hemizygous; This gene is associated with X-linked disease; No comparable missense variants have previous evidence for pathogenicity; Variant is located in the annotated OTCace domain (DECIPHER); Missense variant with inconclusive in silico prediction and uninformative conservation; Loss of function is a known mechanism of disease in this gene and is associated with ornithine transcarbamylase deficiency (MIM#311250); Variants in this gene are known to have variable expressivity. In males, the phenotypic spectrum can range from lethal neonatal onset to milder forms in late childhood or adulthood while in heterozygous females, the phenotypic spectrum can range from asymptomatic to having recurrent hyperammonemia and/or neurologic impairment depending on the pattern of X-chromosome inactivation in the liver (OMIM, PMID: 24006547). In addition, individuals with pathogenic variants associated with mild, late-onset disease may experience severe hyperammonemia depending on exposure to strong environmental stressors (PMID: 24006547).

Labcorp Genetics (formerly Invitae), Labcorp
Classification: Uncertain significance for Ornithine carbamoyltransferase deficiency. Last evaluated: 2025-09-05. Review status: criteria provided, single submitter. Criteria: Invitae Variant Classification Sherloc (09022015). Collection method: clinical testing. Allele origin: germline.
Comment: This sequence change replaces methionine, which is neutral and non-polar, with isoleucine, which is neutral and non-polar, at codon 206 of the OTC protein (p.Met206Ile). This variant is not present in population databases (gnomAD no frequency). This missense change has been observed in individual(s) with clinical features of OTC-related conditions (PMID: 11793483). ClinVar contains an entry for this variant (Variation ID: 2627014). Invitae Evidence Modeling of protein sequence and biophysical properties (such as structural, functional, and spatial information, amino acid conservation, physicochemical variation, residue mobility, and thermodynamic stability) has been performed for this missense variant. However, the output from this modeling did not meet the statistical confidence thresholds required to predict the impact of this variant on OTC protein function. This variant disrupts the p.Met206 amino acid residue in OTC. Other variant(s) that disrupt this residue have been determined to be pathogenic (internal data). This suggests that this residue is clinically significant, and that variants that disrupt this residue are likely to be disease-causing. In summary, the available evidence is currently insufficient to determine the role of this variant in disease. Therefore, it has been classified as a Variant of Uncertain Significance.

Fulgent Genetics
Classification: Likely pathogenic for Ornithine carbamoyltransferase deficiency. Last evaluated: 2024-04-29. Review status: criteria provided, single submitter. Criteria: ACMG Guidelines, 2015. Collection method: clinical testing. Allele origin: germline.

Women's Health and Genetics/Laboratory Corporation of America, LabCorp
Classification: Uncertain significance. Last evaluated: 2024-04-23. Review status: criteria provided, single submitter. Criteria: LabCorp Variant Classification Summary - May 2015. Collection method: clinical testing. Allele origin: germline.
Comment: Variant summary: OTC c.618G>T (p.Met206Ile) results in a conservative amino acid change located in the Aspartate/ornithine carbamoyltransferase, Asp/Orn-binding domain (IPR006131) of the encoded protein sequence. Three of five in-silico tools predict a benign effect of the variant on protein function. The variant was absent in 183114 control chromosomes. The available data on variant occurrences in the general population are insufficient to allow any conclusion about variant significance. To our knowledge, no occurrence of c.618G>T in individuals affected with Ornithine Transcarbamylase Deficiency and no experimental evidence demonstrating its impact on protein function have been reported. Other variants affecting this residue has been reported in individuals affected with the disease c.617T>G (PMID: 10405441), c.618G>C (PMID 11793483) however, this information is not sufficient to associate this variant with the disease. ClinVar contains an entry for this variant (Variation ID: 2627014). Based on the evidence outlined above, the variant was classified as uncertain significance.

Greenwood Genetic Center Diagnostic Laboratories, Greenwood Genetic Center
Classification: Likely pathogenic for Ornithine carbamoyltransferase deficiency. Last evaluated: 2023-07-31. Review status: criteria provided, single submitter. Criteria: ACMG Guidelines, 2015. Collection method: clinical testing. Allele origin: germline.
Comment: PS3, PM1, PM2

Literature cited by the submitters: PubMed 24006547 (cited by Victorian Clinical Genetics Services, Murdoch Childrens Research Institute); PubMed 11793483 (cited by Victorian Clinical Genetics Services, Murdoch Childrens Research Institute and Labcorp Genetics (formerly Invitae), Labcorp).